The following is an entry in ClinVar:

ClinVar aggregate classification (germline): Uncertain significance (1 of 4 stars; one submission).

Submission:

Ambry Genetics
Classification: Uncertain significance. Last evaluated: 2024-06-03. Review status: criteria provided, single submitter. Criteria: Ambry Variant Classification Scheme 2023. Collection method: clinical testing. Allele origin: germline.
Comment: The p.S911T variant (also known as c.2732G>C), located in coding exon 24 of the KIF1B gene, results from a G to C substitution at nucleotide position 2732. The serine at codon 911 is replaced by threonine, an amino acid with similar properties. This amino acid position is conserved. In addition, this alteration is predicted to be tolerated by in silico analysis. Based on the available evidence, the clinical significance of this variant remains unclear.

NM_001365951.3(KIF1B):c.2870G>C (p.Ser957Thr)

Genes: KIF1B (kinesin family member 1B; plus strand), LOC126805614 (BRD4-independent group 4 enhancer GRCh37_chr1:10385546-10386745; plus strand). Cytogenetic location: 1p36.22.
Variant type: single nucleotide variant.
Coding change: c.2870G>C on transcript NM_001365951.3 (MANE Select); coding-DNA position 2870, G replaced by C.
Protein change: p.Ser957Thr; replaces serine 957 with threonine.
Molecular consequence: missense variant.
Genome position (GRCh38, 1-based): chr1:10,326,305, G>C. VCF-style: chr1-10326305-G-C. GRCh37 (hg19) VCF-style: chr1-10386363-G-C.
Other names: c.2870G>C, p.Ser957Thr (NM_001365952.1); c.2732G>C, p.Ser911Thr (NM_015074.3); short protein forms S957T, S911T.
Identifiers: ClinVar variation 3288475 (VCV003288475.1).